The following is an entry in ClinVar:

ClinVar aggregate classification (germline): Pathogenic (1 of 4 stars; one submission).

Conditions:
Multiple congenital exostosis (EXT). Also called: Multiple osteochondromas; Hereditary multiple osteochondromas; Hereditary multiple exostoses; Hereditary multiple exostosis; MULTIPLE CARTILAGINOUS EXOSTOSES; Multiple exostoses. Identifiers: Orphanet 321, MedGen C0015306, MONDO:0005508, HP:0002762.

Submission:

Labcorp Genetics (formerly Invitae), Labcorp
Classification: Pathogenic for Multiple congenital exostosis. Last evaluated: 2018-12-25. Review status: criteria provided, single submitter. Criteria: Invitae Variant Classification Sherloc (09022015). Collection method: clinical testing. Allele origin: germline.
Comment: Donor and acceptor splice site variants typically lead to a loss of protein function (PMID: 16199547), and loss-of-function variants in EXT1 are known to be pathogenic (PMID: 10679937, 11391482, 19810120). This variant is not present in population databases (ExAC no frequency). This sequence change affects an acceptor splice site in intron 2 of the EXT1 gene. It is expected to disrupt RNA splicing and likely results in an absent or disrupted protein product. For these reasons, this variant has been classified as Pathogenic.

Literature cited by the submitters: PubMed 16199547; PubMed 10679937; PubMed 11391482; PubMed 19810120.

NM_000127.3(EXT1):c.1057-1G>C

Gene: EXT1 (exostosin glycosyltransferase 1; minus strand). Cytogenetic location: 8q24.11.
Variant type: single nucleotide variant.
Coding change: c.1057-1G>C on transcript NM_000127.3 (MANE Select); the canonical splice acceptor site of the intron before coding-DNA position 1057, G replaced by C.
Molecular consequence: splice acceptor variant.
Genome position (GRCh38, 1-based): chr8:117,835,552, C>G on the plus strand (G>C on the coding strand, the complement: EXT1 is on the minus strand). VCF-style: chr8-117835552-C-G. GRCh37 (hg19) VCF-style: chr8-118847791-C-G.
Identifiers: ClinVar variation 653328 (VCV000653328.9), dbSNP rs1587003661, ClinGen allele CA371892844.